The following is an entry in ClinVar:

ClinVar aggregate classification (germline): Uncertain significance (0 of 4 stars; one submission).

Conditions:
Spinocerebellar ataxia type 25. Identifiers: Orphanet 101111, MedGen C1837518, MONDO:0012103, OMIM 608703.

Submission:

Hong-Tao Li Lab, Institute of Brain Science and Brain-inspired Research, Shandong First Medical University & Shandong Academy of Medical Sciences China
Classification: Uncertain significance for Spinocerebellar ataxia type 25. Review status: no assertion criteria provided. Collection method: research. Allele origin: germline. Inheritance: Autosomal dominant inheritance. Affected: yes. Observed: 1 variant allele, 1 heterozygote.
Comment: Observed in affected individuals from a Pakistani neurodevelopmental-disorder research cohort of 263 individuals. Classification assigned using the ACMG/AMP framework.

NM_033109.5(PNPT1):c.1334G>T (p.Arg445Ile)

Gene: PNPT1 (polyribonucleotide nucleotidyltransferase 1; minus strand). Cytogenetic location: 2p16.1.
Variant type: single nucleotide variant.
Coding change: c.1334G>T on transcript NM_033109.5 (MANE Select); coding-DNA position 1334, G replaced by T.
Protein change: p.Arg445Ile; replaces arginine 445 with isoleucine.
Molecular consequence: missense variant.
Genome position (GRCh38, 1-based): chr2:55,656,322, C>A on the plus strand (G>T on the coding strand, the complement: PNPT1 is on the minus strand). VCF-style: chr2-55656322-C-A. GRCh37 (hg19) VCF-style: chr2-55883457-C-A.
Other names: short protein forms R445I.
Identifiers: ClinVar variation 4884800 (VCV004884800.1).